The following is an entry in ClinVar:

ClinVar aggregate classification (germline): Uncertain significance (1 of 4 stars; one submission).

Submission:

GeneDx
Classification: Uncertain significance. Last evaluated: 2024-03-13. Review status: criteria provided, single submitter. Criteria: GeneDx Variant Classification Process June 2021. Collection method: clinical testing. Allele origin: germline. Affected: yes.
Comment: Not observed at significant frequency in large population cohorts (gnomAD); In silico analysis supports that this missense variant does not alter protein structure/function; Has not been previously published as pathogenic or benign to our knowledge

NM_198428.3(BBS9):c.2344A>T (p.Thr782Ser)

Gene: BBS9 (Bardet-Biedl syndrome 9; plus strand). Cytogenetic location: 7p14.3.
Variant type: single nucleotide variant.
Coding change: c.2344A>T on transcript NM_198428.3 (MANE Select); coding-DNA position 2344, A replaced by T.
Protein change: p.Thr782Ser; replaces threonine 782 with serine.
Molecular consequence: missense variant. On other transcripts: non-coding transcript variant (3).
Genome position (GRCh38, 1-based): chr7:33,533,999, A>T. VCF-style: chr7-33533999-A-T. GRCh37 (hg19) VCF-style: chr7-33573611-A-T.
Other names: c.2239A>T, p.Thr747Ser (NM_001033604.2); c.2329A>T, p.Thr777Ser (NM_001033605.2); c.2344A>T, p.Thr782Ser (NM_001348036.1, NM_001348041.4, NM_001348043.3 and 1 more transcripts); c.1795A>T, p.Thr599Ser (NM_001348037.3); c.2071A>T, p.Thr691Ser (NM_001348038.3); c.1966A>T, p.Thr656Ser (NM_001348039.3); c.2224A>T, p.Thr742Ser (NM_001348040.3, NM_014451.4); c.2209A>T, p.Thr737Ser (NM_001348042.3); and 2 more; short protein forms T599S, T625S, T656S, T660S, T691S, T737S, T742S, T747S.
Identifiers: ClinVar variation 3370918 (VCV003370918.1).